The following is an entry in ClinVar:

ClinVar aggregate classification (germline): Pathogenic/Likely pathogenic. Review status: criteria provided, multiple submitters, no conflicts (2 of 4 stars). 4 submissions from 4 submitters: Pathogenic (3); Likely pathogenic (1). Last evaluated 2024-12-06.

Conditions:
Generalized juvenile polyposis/juvenile polyposis coli. Also called: Juvenile polyposis coli. Identifiers: Orphanet 329971, MedGen C1868081, MONDO:0008276.
Hereditary cancer-predisposing syndrome. Also called: Neoplastic Syndromes, Hereditary; Hereditary neoplastic syndrome; Hereditary Cancer Syndrome; Tumor predisposition. Identifiers: Orphanet 140162, MedGen C0027672, MeSH D009386, MONDO:0015356.
Juvenile polyposis syndrome (JPS). Identifiers: Orphanet 2929, MedGen C0345893, MONDO:0017380, OMIM 174900.

Submissions (4):

Ambry Genetics
Classification: Pathogenic for Hereditary cancer-predisposing syndrome. Last evaluated: 2024-12-06. Review status: criteria provided, single submitter. Criteria: Ambry Variant Classification Scheme 2023. Collection method: clinical testing. Allele origin: germline.
Comment: The p.L59* pathogenic mutation (also known as c.176T>A), located in coding exon 2 of the BMPR1A gene, results from a T to A substitution at nucleotide position 176. This changes the amino acid from a leucine to a stop codon within coding exon 2. While this exact alteration has not been reported in the literature, a different mutation resulting in the same stop codon (c.176delT) has been reported in an individual with juvenile and adenomatous polyps and in a patient who was referred for whole exome sequencing (Ngeow J et al. Gastroenterology, 2013 Jun;144:1402-9, 1409.e1-5; LaDuca H et al. PLoS ONE 2017 Feb;12(2):e0170843). In addition to the clinical data presented in the literature, this alteration is expected to result in loss of function by premature protein truncation or nonsense-mediated mRNA decay. As such, this alteration is interpreted as a disease-causing mutation.

Labcorp Genetics (formerly Invitae), Labcorp
Classification: Pathogenic for Juvenile polyposis syndrome. Last evaluated: 2024-02-06. Review status: criteria provided, single submitter. Criteria: Invitae Variant Classification Sherloc (09022015). Collection method: clinical testing. Allele origin: germline.
Comment: This sequence change creates a premature translational stop signal (p.Leu59*) in the BMPR1A gene. It is expected to result in an absent or disrupted protein product. Loss-of-function variants in BMPR1A are known to be pathogenic (PMID: 11536076, 12417513). This variant is not present in population databases (gnomAD no frequency). This premature translational stop signal has been observed in individual(s) with clinical features of juvenile polyposis syndrome (PMID: 23399955). ClinVar contains an entry for this variant (Variation ID: 617784). For these reasons, this variant has been classified as Pathogenic.

Myriad Genetics, Inc.
Classification: Pathogenic for Juvenile polyposis syndrome. Last evaluated: 2023-05-25. Review status: criteria provided, single submitter. Criteria: Myriad Autosomal Dominant, Autosomal Recessive and X-Linked Classification Criteria (2023). Collection method: clinical testing. Allele origin: unknown.
Comment: This variant is considered pathogenic. This variant creates a termination codon and is predicted to result in premature protein truncation.

Department of Molecular Diagnostics, Institute of Oncology Ljubljana
Classification: Likely pathogenic for Juvenile polyposis syndrome. Last evaluated: 2018-10-24. Review status: criteria provided, single submitter. Criteria: ACMG Guidelines, 2015. Collection method: clinical testing. Allele origin: germline. Affected: yes.

Literature cited by the submitters: PubMed 23399955 (cited by Ambry Genetics and Labcorp Genetics (formerly Invitae), Labcorp); PubMed 11536076 (cited by Labcorp Genetics (formerly Invitae), Labcorp); PubMed 12417513 (cited by Labcorp Genetics (formerly Invitae), Labcorp).

NM_004329.3(BMPR1A):c.176T>A (p.Leu59Ter)

Gene: BMPR1A (bone morphogenetic protein receptor type 1A; plus strand). Cytogenetic location: 10q23.2.
Variant type: single nucleotide variant.
Coding change: c.176T>A on transcript NM_004329.3 (MANE Select); coding-DNA position 176, T replaced by A.
Protein change: p.Leu59Ter; replaces leucine 59 with a stop codon.
Molecular consequence: nonsense.
Genome position (GRCh38, 1-based): chr10:86,890,170, T>A. VCF-style: chr10-86890170-T-A. GRCh37 (hg19) VCF-style: chr10-88649927-T-A.
Other names: short protein forms L59*.
Identifiers: ClinVar variation 617784 (VCV000617784.11), dbSNP rs1564714834, ClinGen allele CA377446894.